The following is an entry in ClinVar:

ClinVar aggregate classification (germline): Uncertain significance. Review status: criteria provided, multiple submitters, no conflicts (2 of 4 stars). 7 submissions from 6 submitters: Uncertain significance (7). Last evaluated 2025-12-02.

Conditions:
Autosomal recessive ataxia, Beauce type. Also called: SYNE1 Deficiency; SYNE1-Related Autosomal Recessive Cerebellar Ataxia; Spinocerebellar ataxia, autosomal recessive 8; ATAXIA, RECESSIVE, OF BEAUCE. Identifiers: Orphanet 88644, MedGen C1853116, MONDO:0012549, OMIM 610743.
Emery-Dreifuss muscular dystrophy 4, autosomal dominant (EDMD4). Also called: EMERY-DREIFUSS MUSCULAR DYSTROPHY 4 WITH VARIABLE FEATURES. Identifiers: Orphanet 261, MedGen C2751807, MONDO:0013071, OMIM 612998.

Allele frequency attached by ClinVar (database versions not stated): gnomAD 0.00005; TOPMed 0.00006; ESP Exome Variant Server 0.00008.
gnomAD v4.1: 41 of 1,614,122 alleles (0.0025%); highest among the groups gnomAD compares: Admixed American, 0.0083%; no homozygotes.

Submissions (7):

Women's Health and Genetics/Laboratory Corporation of America, LabCorp
Classification: Uncertain significance. Last evaluated: 2025-12-02. Review status: criteria provided, single submitter. Criteria: LabCorp Variant Classification Summary - May 2015. Collection method: clinical testing. Allele origin: germline.
Comment: Variant summary: SYNE1 c.11929T>G (p.Cys3977Gly) results in a non-conservative amino acid change in the encoded protein sequence. Algorithms developed to predict the effect of missense changes on protein structure and function are either unavailable or do not agree on the potential impact of this missense change. The variant allele was found at a frequency of 3.6e-05 in 251486 control chromosomes. The available data on variant occurrences in the general population are insufficient to allow any conclusion about variant significance. To our knowledge, no occurrence of c.11929T>G in individuals affected with SYNE1-related conditions and no experimental evidence demonstrating its impact on protein function have been reported. ClinVar contains an entry for this variant (Variation ID: 355881). Based on the evidence outlined above, the variant was classified as uncertain significance.

Labcorp Genetics (formerly Invitae), Labcorp
Classification: Uncertain significance for Emery-Dreifuss muscular dystrophy 4, autosomal dominant; Autosomal recessive ataxia, Beauce type. Last evaluated: 2025-07-14. Review status: criteria provided, single submitter. Criteria: Invitae Variant Classification Sherloc (09022015). Collection method: clinical testing. Allele origin: germline.
Comment: This sequence change replaces cysteine, which is neutral and slightly polar, with glycine, which is neutral and non-polar, at codon 3977 of the SYNE1 protein (p.Cys3977Gly). This variant is present in population databases (rs377526133, gnomAD 0.01%). This variant has not been reported in the literature in individuals affected with SYNE1-related conditions. ClinVar contains an entry for this variant (Variation ID: 355881). An algorithm developed to predict the effect of missense changes on protein structure and function (PolyPhen-2) suggests that this variant is likely to be disruptive. In summary, the available evidence is currently insufficient to determine the role of this variant in disease. Therefore, it has been classified as a Variant of Uncertain Significance.

Athena Diagnostics
Classification: Uncertain significance. Last evaluated: 2024-02-22. Review status: criteria provided, single submitter. Criteria: Athena Diagnostics Criteria. Collection method: clinical testing. Allele origin: unknown.
Comment: Available data are insufficient to determine the clinical significance of the variant at this time. The frequency of this variant in the general population is uninformative in assessment of its pathogenicity. Computational tools disagree on the variant's effect on normal protein function.

Revvity Omics, Revvity
Classification: Uncertain significance. Last evaluated: 2023-04-26. Review status: criteria provided, single submitter. Criteria: ACMG Guidelines, 2015. Collection method: clinical testing. Allele origin: germline.

Illumina Laboratory Services, Illumina
Classification: Uncertain significance for Emery-Dreifuss muscular dystrophy 4, autosomal dominant. Last evaluated: 2018-01-13. Review status: criteria provided, single submitter. Criteria: ICSL Variant Classification Criteria 13 December 2019. Collection method: clinical testing. Allele origin: germline.

Illumina Laboratory Services, Illumina
Classification: Uncertain significance for Autosomal recessive ataxia, Beauce type. Last evaluated: 2018-01-13. Review status: criteria provided, single submitter. Criteria: ICSL Variant Classification Criteria 13 December 2019. Collection method: clinical testing. Allele origin: germline.

Eurofins Ntd Llc (ga)
Classification: Uncertain significance. Last evaluated: 2017-09-19. Review status: criteria provided, single submitter. Criteria: EGL Classification Definitions 2015. Collection method: clinical testing. Allele origin: germline. Observed: 2 variant alleles, 2 heterozygotes.

NM_182961.4(SYNE1):c.12142T>G (p.Cys4048Gly)

Gene: SYNE1 (spectrin repeat containing nuclear envelope protein 1; minus strand). Cytogenetic location: 6q25.2.
Variant type: single nucleotide variant.
Coding change: c.12142T>G on transcript NM_182961.4 (MANE Select); coding-DNA position 12142, T replaced by G.
Protein change: p.Cys4048Gly; replaces cysteine 4048 with glycine.
Molecular consequence: missense variant.
Genome position (GRCh38, 1-based): chr6:152,344,164, A>C on the plus strand (T>G on the coding strand, the complement: SYNE1 is on the minus strand). VCF-style: chr6-152344164-A-C. GRCh37 (hg19) VCF-style: chr6-152665299-A-C.
Other names: c.11929T>G, p.Cys3977Gly (NM_033071.5); short protein forms C3977G, C4048G.
Identifiers: ClinVar variation 355881 (VCV000355881.22), dbSNP rs377526133, ClinGen allele CA4056495.